The following is an entry in ClinVar:

NM_013382.7(POMT2):c.1057G>A (p.Gly353Ser)

Gene: POMT2 (protein O-mannosyltransferase 2; minus strand). Cytogenetic location: 14q24.3.
Variant type: single nucleotide variant.
Coding change: c.1057G>A on transcript NM_013382.7 (MANE Select); coding-DNA position 1057, G replaced by A.
Protein change: p.Gly353Ser; replaces glycine 353 with serine.
Molecular consequence: missense variant.
Genome position (GRCh38, 1-based): chr14:77,296,223, C>T on the plus strand (G>A on the coding strand, the complement: POMT2 is on the minus strand). VCF-style: chr14-77296223-C-T. GRCh37 (hg19) VCF-style: chr14-77762566-C-T.
Other names: short protein forms G353S.
Identifiers: ClinVar variation 3231 (VCV000003231.11), dbSNP rs267606970, ClinGen allele CA130176.

ClinVar aggregate classification (germline): Likely pathogenic. Review status: criteria provided, multiple submitters, no conflicts (2 of 4 stars). 6 submissions from 5 submitters: Likely pathogenic (4). 2 of the submissions do not count toward it. Last evaluated 2026-06-11.

Conditions:
POMT2-related disorder. Also called: POMT2-related condition.
Muscular dystrophy-dystroglycanopathy (congenital with impaired intellectual development), type B, 2. Also called: MUSCULAR DYSTROPHY, CONGENITAL, POMT2-RELATED; Muscular dystrophy-dystroglycanopathy (congenital with intellectual disability), type B2. Identifiers: MedGen C3150416, MONDO:0013160, OMIM 613156.
Muscular dystrophy-dystroglycanopathy (congenital with brain and eye anomalies), type A2. Also called: WALKER-WARBURG SYNDROME OR MUSCLE-EYE-BRAIN DISEASE, POMT2-RELATED; MUSCULAR DYSTROPHY-DYSTROGLYCANOPATHY (CONGENITAL WITH BRAIN AND EYE ANOMALIES), TYPE A, 2. Identifiers: Orphanet 588, Orphanet 899, MedGen C3150411, MONDO:0013154, OMIM 613150.

Allele frequency attached by ClinVar (database versions not stated): TOPMed 0.00001; gnomAD exomes 0.00001.
gnomAD v4.1: 27 of 1,609,298 alleles (0.0017%); highest among the groups gnomAD compares: South Asian, 0.0033%; no homozygotes.

Submissions (6):

Women's Health and Genetics/Laboratory Corporation of America, LabCorp
Classification: Likely pathogenic for Muscular dystrophy-dystroglycanopathy (congenital with brain and eye anomalies), type A2. Last evaluated: 2026-06-11. Review status: criteria provided, single submitter. Criteria: LabCorp Variant Classification Summary - May 2015. Collection method: clinical testing. Allele origin: germline.
Comment: Variant summary: POMT2 c.1057G>A (p.Gly353Ser) results in a non-conservative amino acid change in the encoded protein sequence. Algorithms developed to predict the effect of missense changes on protein structure and function all suggest that this variant is likely to be disruptive. The variant allele was found at a frequency of 1.2e-05 in 240782 control chromosomes. c.1057G>A has been observed in the presumed or confirmed compound heterozygous and homozygous states in multiple individual(s) affected with clinical features of Muscular dystrophy-dystroglycanopathy (congenital with brain and eye anomalies), type A2 (example, Mercuri_2006, Tsauer_2022, Clement_2008, Messina_2008, Ganapathy_2019). These data indicate that the variant is likely to be associated with disease. To our knowledge, no experimental evidence demonstrating an impact on protein function has been reported. The following publications have been ascertained in the context of this evaluation (PMID: 16701995, 35595449, 19067344, 18513969, 31069529). ClinVar contains an entry for this variant (Variation ID: 3231). Based on the evidence outlined above, the variant was classified as likely pathogenic.

GeneDx
Classification: Likely pathogenic. Last evaluated: 2025-04-30. Review status: criteria provided, single submitter. Criteria: GeneDx Variant Classification Process June 2021. Collection method: clinical testing. Allele origin: germline. Affected: yes.
Comment: Not observed at significant frequency in large population cohorts (gnomAD); In silico analysis supports that this missense variant has a deleterious effect on protein structure/function; This variant is associated with the following publications: (PMID: 19299310, 17878207, 11053679, 18513969, 16701995, 31589614, 32494558, 31069529, 35595449)

Baylor Genetics
Classification: Likely pathogenic for Muscular dystrophy-dystroglycanopathy (congenital with brain and eye anomalies), type A2. Last evaluated: 2024-02-08. Review status: criteria provided, single submitter. Criteria: ACMG Guidelines, 2015. Collection method: clinical testing. Allele origin: unknown.

PreventionGenetics, part of Exact Sciences
Classification: Likely pathogenic for POMT2-related condition. Last evaluated: 2022-09-01. Review status: criteria provided, single submitter. Criteria: ACMG Guidelines, 2015. Collection method: clinical testing. Allele origin: germline.
Comment: The POMT2 c.1057G>A variant is predicted to result in the amino acid substitution p.Gly353Ser. This variant was reported as causative in the compound heterozygous state in two patients with congenital muscular dystrophy with brain and eye anomalies (Mercuri et al. 2006. PubMed ID: 16701995; Godfrey et al. 2007. PubMed ID:17878207; Messina et al. 2008. PubMed ID: 18513969). This variant was observed in the homozygous or heterozygous states along with another pathogenic variant in three patients undergoing congenital muscular dystrophy testing at PreventionGenetics. This variant is reported in 0.0035% of alleles in individuals of South Asian descent in gnomAD. This variant is interpreted as likely pathogenic.

OMIM
Classification: Pathogenic for MUSCULAR DYSTROPHY-DYSTROGLYCANOPATHY (CONGENITAL WITH IMPAIRED INTELLECTUAL DEVELOPMENT), TYPE B, 2. Last evaluated: 2009-05-26. Review status: no assertion criteria provided. Collection method: literature only. Allele origin: germline. Not counted in ClinVar's aggregate classification.

OMIM
Classification: Pathogenic for MUSCULAR DYSTROPHY-DYSTROGLYCANOPATHY (CONGENITAL WITH BRAIN AND EYE ANOMALIES), TYPE A, 2. Last evaluated: 2006-07-01. Review status: no assertion criteria provided. Collection method: literature only. Allele origin: germline. Not counted in ClinVar's aggregate classification.

Literature cited by the submitters: PubMed 18513969 (cited by Women's Health and Genetics/Laboratory Corporation of America, LabCorp); PubMed 31069529 (cited by Women's Health and Genetics/Laboratory Corporation of America, LabCorp); PubMed 19067344 (cited by Women's Health and Genetics/Laboratory Corporation of America, LabCorp); PubMed 16701995 (cited by Women's Health and Genetics/Laboratory Corporation of America, LabCorp and OMIM); PubMed 35595449 (cited by Women's Health and Genetics/Laboratory Corporation of America, LabCorp); PubMed 19299310 (cited by OMIM).